The following is an entry in ClinVar:

NM_015949.3(GET4):c.912C>T (p.Ser304=)

Gene: GET4 (guided entry of tail-anchored proteins factor 4; plus strand). Cytogenetic location: 7p22.3.
Variant type: single nucleotide variant.
Coding change: c.912C>T on transcript NM_015949.3 (MANE Select); coding-DNA position 912, C replaced by T.
Protein change: p.Ser304=; no amino-acid change (serine 304 retained).
Molecular consequence: synonymous variant.
Genome position (GRCh38, 1-based): chr7:895,350, C>T. VCF-style: chr7-895350-C-T. GRCh37 (hg19) VCF-style: chr7-934987-C-T.
Identifiers: ClinVar variation 2657172 (VCV002657172.24), dbSNP rs141188832, ClinGen allele CA4113204.

ClinVar aggregate classification (germline): Likely benign (1 of 4 stars; one submission).

Allele frequency attached by ClinVar (database versions not stated): gnomAD exomes 0.00006; ExAC 0.00021; gnomAD 0.00052; TOPMed 0.00064; 1000 Genomes Project 30x 0.00078; 1000 Genomes Project 0.00080; ESP Exome Variant Server 0.00092.
gnomAD v4.1: 168 of 1,582,992 alleles (0.011%); highest among the groups gnomAD compares: African/African-American, 0.21%; 1 homozygote.

Submission:

CeGaT Center for Human Genetics Tuebingen
Classification: Likely benign. Last evaluated: 2022-03-01. Review status: criteria provided, single submitter. Criteria: CeGaT Center For Human Genetics Tuebingen Variant Classification Criteria Version 2. Collection method: clinical testing. Allele origin: germline. Affected: yes. Observed: 1 variant allele.
Comment: GET4: BP4, BP7